The following is an entry in ClinVar:

NM_000051.4(ATM):c.211G>C (p.Glu71Gln)

Gene: ATM (ATM serine/threonine kinase; plus strand). Cytogenetic location: 11q22.3.
Variant type: single nucleotide variant.
Coding change: c.211G>C on transcript NM_000051.4 (MANE Select); coding-DNA position 211, G replaced by C.
Protein change: p.Glu71Gln; replaces glutamic acid 71 with glutamine.
Molecular consequence: missense variant.
Genome position (GRCh38, 1-based): chr11:108,229,203, G>C. VCF-style: chr11-108229203-G-C. GRCh37 (hg19) VCF-style: chr11-108099930-G-C.
Other names: c.211G>C, p.Glu71Gln (NM_001351834.2, NM_001351835.2, NM_001351836.2); short protein forms E71Q.
Identifiers: ClinVar variation 3801390 (VCV003801390.1).

ClinVar aggregate classification (germline): Uncertain significance (1 of 4 stars; one submission).

Conditions:
Hereditary cancer-predisposing syndrome. Also called: Neoplastic Syndromes, Hereditary; Hereditary Cancer Syndrome; Tumor predisposition; Hereditary neoplastic syndrome. Identifiers: Orphanet 140162, MedGen C0027672, MeSH D009386, MONDO:0015356.

Submission:

Ambry Genetics
Classification: Uncertain significance for Hereditary cancer-predisposing syndrome. Last evaluated: 2025-01-08. Review status: criteria provided, single submitter. Criteria: Ambry Variant Classification Scheme 2023. Collection method: clinical testing. Allele origin: germline.
Comment: The p.E71Q variant (also known as c.211G>C), located in coding exon 3 of the ATM gene, results from a G to C substitution at nucleotide position 211. The glutamic acid at codon 71 is replaced by glutamine, an amino acid with highly similar properties. This amino acid position is highly conserved in available vertebrate species. In addition, this alteration is predicted to be deleterious by in silico analysis. Based on the available evidence, the clinical significance of this variant remains unclear.